The following is an entry in ClinVar:

ClinVar aggregate classification (germline): Uncertain significance. Review status: criteria provided, multiple submitters, no conflicts (2 of 4 stars). 3 submissions from 3 submitters: Uncertain significance (3). Last evaluated 2025-04-14.

Conditions:
DK1-congenital disorder of glycosylation. Also called: DOLK-congenital disorder of glycosylation; Carbohydrate deficient glycoprotein syndrome type 1m; CONGENITAL DISORDER OF GLYCOSYLATION, TYPE Im; DK1-CDG; CDG Im; DK1 DEFICIENCY. Identifiers: Orphanet 91131, MedGen C1835849, MONDO:0012556, OMIM 610768.
Cardiovascular phenotype. Identifiers: MedGen CN230736.

Allele frequency attached by ClinVar (database versions not stated): TOPMed 0.00002; ESP Exome Variant Server 0.00008.

Submissions (3):

GeneDx
Classification: Uncertain significance. Last evaluated: 2025-04-14. Review status: criteria provided, single submitter. Criteria: GeneDx Variant Classification Process June 2021. Collection method: clinical testing. Allele origin: germline. Affected: yes.
Comment: In silico analysis indicates that this missense variant does not alter protein structure/function; Has not been previously published as pathogenic or benign to our knowledge

Labcorp Genetics (formerly Invitae), Labcorp
Classification: Uncertain significance for DK1-congenital disorder of glycosylation. Last evaluated: 2022-08-23. Review status: criteria provided, single submitter. Criteria: Invitae Variant Classification Sherloc (09022015). Collection method: clinical testing. Allele origin: germline.
Comment: ClinVar contains an entry for this variant (Variation ID: 947355). This variant has not been reported in the literature in individuals affected with DOLK-related conditions. This variant is present in population databases (rs140983401, gnomAD 0.02%). This sequence change replaces glycine, which is neutral and non-polar, with arginine, which is basic and polar, at codon 430 of the DOLK protein (p.Gly430Arg). Algorithms developed to predict the effect of missense changes on protein structure and function are either unavailable or do not agree on the potential impact of this missense change (SIFT: "Deleterious"; PolyPhen-2: "Benign"; Align-GVGD: "Class C0"). In summary, the available evidence is currently insufficient to determine the role of this variant in disease. Therefore, it has been classified as a Variant of Uncertain Significance.

Ambry Genetics
Classification: Uncertain significance for Cardiovascular phenotype. Last evaluated: 2019-08-27. Review status: criteria provided, single submitter. Criteria: Ambry Variant Classification Scheme 2023. Collection method: clinical testing. Allele origin: germline.
Comment: The p.G430R variant (also known as c.1288G>C), located in coding exon 1 of the DOLK gene, results from a G to C substitution at nucleotide position 1288. The glycine at codon 430 is replaced by arginine, an amino acid with dissimilar properties. This amino acid position is well conserved in available vertebrate species. In addition, the in silico prediction for this alteration is inconclusive. Since supporting evidence is limited at this time, the clinical significance of this alteration remains unclear.

NM_014908.4(DOLK):c.1288G>C (p.Gly430Arg)

Gene: DOLK (dolichol kinase; minus strand). Cytogenetic location: 9q34.11.
Variant type: single nucleotide variant.
Coding change: c.1288G>C on transcript NM_014908.4 (MANE Select); coding-DNA position 1288, G replaced by C.
Protein change: p.Gly430Arg; replaces glycine 430 with arginine.
Molecular consequence: missense variant.
Genome position (GRCh38, 1-based): chr9:128,946,016, C>G on the plus strand (G>C on the coding strand, the complement: DOLK is on the minus strand). VCF-style: chr9-128946016-C-G. GRCh37 (hg19) VCF-style: chr9-131708295-C-G.
Other names: short protein forms G430R.
Identifiers: ClinVar variation 947355 (VCV000947355.11), dbSNP rs140983401, ClinGen allele CA200444471.